The following is an entry in ClinVar:

ClinVar aggregate classification (germline): Likely pathogenic (1 of 4 stars; one submission).

Conditions:
Hereditary spherocytosis type 3. Also called: Spherocytosis type 3; SPTA1-Related Spherocytosis. Identifiers: Orphanet 822, MedGen C2678338, MONDO:0010053, OMIM 270970.
Pyropoikilocytosis, hereditary. Also called: Pyropoikilocytosis. Identifiers: MedGen C0520739, MONDO:0009948, OMIM 266140, HP:0004839. Disease mechanism: loss of function.

Submission:

Molecular Genetics Department, Kulakov National Medical Research Center for Obstetrics, Gynecology and Perinatology
Classification: Likely pathogenic for Pyropoikilocytosis, hereditary; Hereditary spherocytosis type 3. Review status: criteria provided, single submitter. Criteria: ACMG Guidelines, 2015. Collection method: clinical testing. Allele origin: germline. Affected: yes.
Comment: A previously undescribed nucleotide variant creates a frameshift p.His1861MetfsTer26 in the SPTA1 gene. Homozygous and compound heterozygous variants are reported in patients with Elliptocytosis-2, 130600, Pyropoikilocytosis, 266140, Spherocytosis, type 3, 270970. The variant is not present in population database (gnomAD no frequency). In summary, the currently available evidence indicates that the variant is pathogenic, but additional data are needed to prove that conclusively. Therefore, this variant has been classified as likely pathogenic.

NM_003126.4(SPTA1):c.5581del (p.His1861fs)

Gene: SPTA1 (spectrin alpha, erythrocytic 1; minus strand). Cytogenetic location: 1q23.1.
Variant type: Deletion.
Coding change: c.5581del on transcript NM_003126.4 (MANE Select); coding-DNA position 5581, one base deleted (C; older notation c.5581delC).
Protein change: p.His1861fs; shifts the reading frame from histidine 1861.
Molecular consequence: frameshift variant.
Genome position (GRCh38, 1-based): chr1:158,627,708, G deleted on the plus strand (C on the coding strand, the reverse complement: SPTA1 is on the minus strand). VCF-style (leftmost placement, unchanged base first): chr1-158627707-TG-T. GRCh37 (hg19) VCF-style: chr1-158597497-TG-T.
Other names: short protein forms H1861fs.
Identifiers: ClinVar variation 3062301 (VCV003062301.1), dbSNP rs2526289187, ClinGen allele CA2740090265.
Genomic context (GRCh38, chr1:158,627,707, plus strand): 5'-TGTGCACACACATTTTGTACTCGGGTCTCATGGACAGCAAAGTCATTTTCCAAAGCTTCA[TG>T]CTTCATTAGCAAGCTCTGCATAAATAAGTCGGTGAGAATTAAGATATCCAAAGCCGGAAA-3'